The following is an entry in ClinVar:

ClinVar aggregate classification (germline): Uncertain significance. Review status: criteria provided, multiple submitters, no conflicts (2 of 4 stars). 2 submissions from 2 submitters: Uncertain significance (2). Last evaluated 2025-12-15.

Allele frequency attached by ClinVar (database versions not stated): ExAC 0.00004; gnomAD 0.00004; gnomAD exomes 0.00004; ESP Exome Variant Server 0.00008; TOPMed 0.00008.
gnomAD v4.1: 69 of 1,581,166 alleles (0.0044%); highest among the groups gnomAD compares: Admixed American, 0.016%; no homozygotes.

Submissions (2):

Labcorp Genetics (formerly Invitae), Labcorp
Classification: Uncertain significance. Last evaluated: 2025-12-15. Review status: criteria provided, single submitter. Criteria: Invitae Variant Classification Sherloc (09022015). Collection method: clinical testing. Allele origin: germline.
Comment: This sequence change replaces alanine, which is neutral and non-polar, with valine, which is neutral and non-polar, at codon 753 of the ITGAM protein (p.Ala753Val). This variant is present in population databases (rs375408663, gnomAD 0.03%). This variant has not been reported in the literature in individuals affected with ITGAM-related conditions. ClinVar contains an entry for this variant (Variation ID: 2040757). An algorithm developed to predict the effect of missense changes on protein structure and function (PolyPhen-2) suggests that this variant is likely to be disruptive. In summary, the available evidence is currently insufficient to determine the role of this variant in disease. Therefore, it has been classified as a Variant of Uncertain Significance.

Ambry Genetics
Classification: Uncertain significance. Last evaluated: 2025-02-22. Review status: criteria provided, single submitter. Criteria: Ambry Variant Classification Scheme 2023. Collection method: clinical testing. Allele origin: germline.

NM_000632.4(ITGAM):c.2258C>T (p.Ala753Val)

Gene: ITGAM (integrin subunit alpha M; plus strand). Cytogenetic location: 16p11.2.
Variant type: single nucleotide variant.
Coding change: c.2258C>T on transcript NM_000632.4 (MANE Select); coding-DNA position 2258, C replaced by T.
Protein change: p.Ala753Val; replaces alanine 753 with valine.
Molecular consequence: missense variant.
Genome position (GRCh38, 1-based): chr16:31,324,751, C>T. VCF-style: chr16-31324751-C-T. GRCh37 (hg19) VCF-style: chr16-31336072-C-T.
Other names: c.2261C>T, p.Ala754Val (NM_001145808.2); short protein forms A753V, A754V.
Identifiers: ClinVar variation 2040757 (VCV002040757.6), dbSNP rs375408663, ClinGen allele CA8025767.